The following is an entry in ClinVar:

ClinVar aggregate classification (germline): Uncertain significance. Review status: criteria provided, multiple submitters, no conflicts (2 of 4 stars). 2 submissions from 2 submitters: Uncertain significance (2). Last evaluated 2025-08-06.

Conditions:
Inborn genetic diseases. Identifiers: MedGen C0950123, MeSH D030342.

Allele frequency attached by ClinVar (database versions not stated): gnomAD exomes below 0.00001; gnomAD 0.00001; TOPMed 0.00001.
gnomAD v4.1: 2 of 1,604,516 alleles (0.00012%); highest among the groups gnomAD compares: Admixed American, 0.0017%; no homozygotes.

Submissions (2):

Ambry Genetics
Classification: Uncertain significance for Inborn genetic diseases. Last evaluated: 2025-08-06. Review status: criteria provided, single submitter. Criteria: Ambry Variant Classification Scheme 2023. Collection method: clinical testing. Allele origin: germline.

Labcorp Genetics (formerly Invitae), Labcorp
Classification: Uncertain significance. Last evaluated: 2022-06-20. Review status: criteria provided, single submitter. Criteria: Invitae Variant Classification Sherloc (09022015). Collection method: clinical testing. Allele origin: germline.
Comment: This sequence change replaces aspartic acid, which is acidic and polar, with histidine, which is basic and polar, at codon 37 of the EIF2B1 protein (p.Asp37His). This variant is not present in population databases (gnomAD no frequency). This variant has not been reported in the literature in individuals affected with EIF2B1-related conditions. Algorithms developed to predict the effect of missense changes on protein structure and function are either unavailable or do not agree on the potential impact of this missense change (SIFT: "Deleterious"; PolyPhen-2: "Probably Damaging"; Align-GVGD: "Class C0"). In summary, the available evidence is currently insufficient to determine the role of this variant in disease. Therefore, it has been classified as a Variant of Uncertain Significance.

NM_001414.4(EIF2B1):c.109G>C (p.Asp37His)

Gene: EIF2B1 (eukaryotic translation initiation factor 2B subunit alpha; minus strand). Cytogenetic location: 12q24.31.
Variant type: single nucleotide variant.
Coding change: c.109G>C on transcript NM_001414.4 (MANE Select); coding-DNA position 109, G replaced by C.
Protein change: p.Asp37His; replaces aspartic acid 37 with histidine.
Molecular consequence: missense variant.
Genome position (GRCh38, 1-based): chr12:123,632,351, C>G on the plus strand (G>C on the coding strand, the complement: EIF2B1 is on the minus strand). VCF-style: chr12-123632351-C-G. GRCh37 (hg19) VCF-style: chr12-124116898-C-G.
Other names: c.109G>C (NM_001414.3); short protein forms D37H.
Identifiers: ClinVar variation 1976823 (VCV001976823.3), dbSNP rs1955200291, ClinGen allele CA387147133.